The following is an entry in ClinVar:

ClinVar aggregate classification (germline): Uncertain significance (1 of 4 stars; one submission).

Conditions:
Joubert syndrome 15 (JBTS15). Identifiers: Orphanet 475, MedGen C3280897, MONDO:0013763, OMIM 614464.

Allele frequency attached by ClinVar (database versions not stated): TOPMed 0.00001.
gnomAD v4.1: 84 of 1,613,836 alleles (0.0052%); highest among the groups gnomAD compares: South Asian, 0.032%; 1 homozygote.

Submission:

Labcorp Genetics (formerly Invitae), Labcorp
Classification: Uncertain significance for Joubert syndrome 15. Last evaluated: 2025-06-02. Review status: criteria provided, single submitter. Criteria: Invitae Variant Classification Sherloc (09022015). Collection method: clinical testing. Allele origin: germline.
Comment: This sequence change replaces arginine, which is basic and polar, with glutamine, which is neutral and polar, at codon 326 of the CEP41 protein (p.Arg326Gln). This variant is present in population databases (rs782387467, gnomAD 0.04%). This variant has not been reported in the literature in individuals affected with CEP41-related conditions. ClinVar contains an entry for this variant (Variation ID: 969732). Invitae Evidence Modeling of protein sequence and biophysical properties (such as structural, functional, and spatial information, amino acid conservation, physicochemical variation, residue mobility, and thermodynamic stability) indicates that this missense variant is not expected to disrupt CEP41 protein function with a negative predictive value of 80%. In summary, the available evidence is currently insufficient to determine the role of this variant in disease. Therefore, it has been classified as a Variant of Uncertain Significance.

NM_018718.3(CEP41):c.977G>A (p.Arg326Gln)

Gene: CEP41 (centrosomal protein 41; minus strand). Cytogenetic location: 7q32.2.
Variant type: single nucleotide variant.
Coding change: c.977G>A on transcript NM_018718.3 (MANE Select); coding-DNA position 977, G replaced by A.
Protein change: p.Arg326Gln; replaces arginine 326 with glutamine.
Molecular consequence: missense variant. On other transcripts: non-coding transcript variant (1).
Genome position (GRCh38, 1-based): chr7:130,399,036, C>T on the plus strand (G>A on the coding strand, the complement: CEP41 is on the minus strand). VCF-style: chr7-130399036-C-T. GRCh37 (hg19) VCF-style: chr7-130038877-C-T.
Other names: c.761G>A, p.Arg254Gln (NM_001257158.2); c.713G>A, p.Arg238Gln (NM_001257159.2); short protein forms R238Q, R254Q, R326Q.
Identifiers: ClinVar variation 969732 (VCV000969732.8), dbSNP rs782387467, ClinGen allele CA4485416.